The following is an entry in ClinVar:

NM_014030.4(GIT1):c.*3TC[2]

Genes: GIT1 (GIT ArfGAP 1; minus strand), TP53I13 (tumor protein p53 inducible protein 13; plus strand). Cytogenetic location: 17q11.2.
Variant type: Microsatellite.
Coding change: c.*3TC[2] on transcript NM_014030.4 (MANE Select); two copies in a row of the 2-base unit TC starting at c.*3; the reference has three copies in a row; one copy, 2 bases deleted.
Molecular consequence: 3 prime UTR variant.
Genome position (GRCh38, 1-based): chr17:29,574,694-29,574,695, GA deleted on the plus strand (TC on the coding strand, the reverse complement: GIT1 is on the minus strand); deleting any 2 consecutive bases within chr17:29,574,694-29,574,700 gives the same sequence; the position shown is the placement nearest the transcript's 3' end. VCF-style (leftmost placement, unchanged base first): chr17-29574693-GGA-G. GRCh37 (hg19) VCF-style: chr17-27901711-GGA-G.
Other names: c.*3TC[2] (NM_001085454.2).
Identifiers: ClinVar variation 3037847 (VCV003037847.2), dbSNP rs2033121800, ClinGen allele CA982826219.
Genomic context (GRCh38, chr17:29,574,693, plus strand): 5'-TGTCTGGAGTGGCCCAGCTCCTATGGCCAGTGAGGTCCTAGGGTGCAGGTGAGGGTGTGG[GGA>G]GAGAGGTCACTGCTTCTTCTCTCGGGTGGTGATGGTGACCAGCTGCTTGGCAGCCTTGGC-3'

ClinVar aggregate classification (germline): Likely benign (0 of 4 stars; one submission).

Conditions:
GIT1-related disorder. Also called: GIT1-related condition.

Submission:

PreventionGenetics, part of Exact Sciences
Classification: Likely benign for GIT1-related condition. Last evaluated: 2019-05-07. Review status: no assertion criteria provided. Collection method: clinical testing. Allele origin: germline.
Comment: This variant is classified as likely benign based on ACMG/AMP sequence variant interpretation guidelines (Richards et al. 2015 PMID: 25741868, with internal and published modifications).